The following is an entry in ClinVar:

ClinVar aggregate classification (germline): Uncertain significance (1 of 4 stars; one submission).

Conditions:
EP300-related disorder. Also called: EP300-related condition; EP300-related disorders.

gnomAD v4.1: 2 of 1,613,932 alleles (0.00012%); highest among the groups gnomAD compares: Middle Eastern, 0.016%; no homozygotes.

Submission:

PreventionGenetics, part of Exact Sciences
Classification: Uncertain significance for EP300-related condition. Last evaluated: 2025-11-11. Review status: criteria provided, single submitter. Criteria: ACMG Guidelines, 2015. Collection method: clinical testing. Allele origin: germline.
Comment: The EP300 c.5957C>G variant is predicted to result in the amino acid substitution p.Pro1986Arg. To our knowledge, this variant has not been reported in the literature or in a large population database, indicating this variant is rare. At this time, the clinical significance of this variant is uncertain due to the absence of conclusive functional and genetic evidence.

NM_001429.4(EP300):c.5957C>G (p.Pro1986Arg)

Gene: EP300 (EP300 lysine acetyltransferase; plus strand). Cytogenetic location: 22q13.2.
Variant type: single nucleotide variant.
Coding change: c.5957C>G on transcript NM_001429.4 (MANE Select); coding-DNA position 5957, C replaced by G.
Protein change: p.Pro1986Arg; replaces proline 1986 with arginine.
Molecular consequence: missense variant.
Genome position (GRCh38, 1-based): chr22:41,177,668, C>G. VCF-style: chr22-41177668-C-G. GRCh37 (hg19) VCF-style: chr22-41573672-C-G.
Other names: c.5879C>G, p.Pro1960Arg (NM_001362843.2); short protein forms P1960R, P1986R.
Identifiers: ClinVar variation 3348795 (VCV003348795.2).